The following is an entry in ClinVar:

ClinVar aggregate classification (germline): Uncertain significance (1 of 4 stars; one submission).

Submission:

GeneDx
Classification: Uncertain significance. Last evaluated: 2026-04-16. Review status: criteria provided, single submitter. Criteria: GeneDx Variant Classification Process June 2021. Collection method: clinical testing. Allele origin: germline.
Comment: Not observed at significant frequency in large population cohorts (gnomAD); Missense variant in a gene in which most reported pathogenic variants are truncating/loss of function; Has not been previously published as pathogenic or benign to our knowledge

NM_001267550.2(TTN):c.79964G>A (p.Arg26655Lys)

Genes: TTN (titin; minus strand), TTN-AS1 (TTN antisense RNA 1; plus strand). Cytogenetic location: 2q31.2.
Variant type: single nucleotide variant.
Coding change: c.79964G>A on transcript NM_001267550.2 (MANE Select); coding-DNA position 79964, G replaced by A.
Protein change: p.Arg26655Lys; replaces arginine 26655 with lysine.
Molecular consequence: missense variant.
Genome position (GRCh38, 1-based): chr2:178,566,168, C>T on the plus strand (G>A on the coding strand, the complement: TTN is on the minus strand). VCF-style: chr2-178566168-C-T. GRCh37 (hg19) VCF-style: chr2-179430895-C-T.
Other names: c.75041G>A, p.Arg25014Lys (NM_001256850.1); c.52769G>A, p.Arg17590Lys (NM_003319.4); c.72260G>A, p.Arg24087Lys (NM_133378.4); c.53144G>A, p.Arg17715Lys (NM_133432.3); c.53345G>A, p.Arg17782Lys (NM_133437.4); short protein forms R17590K, R17715K, R17782K, R24087K, R25014K, R26655K.
Identifiers: ClinVar variation 3900766 (VCV003900766.2).